The following is an entry in ClinVar:

NM_005720.4(ARPC1B):c.1083C>T (p.Ser361=)

Gene: ARPC1B (actin related protein 2/3 complex subunit 1B; plus strand). Cytogenetic location: 7q22.1.
Variant type: single nucleotide variant.
Coding change: c.1083C>T on transcript NM_005720.4 (MANE Select); coding-DNA position 1083, C replaced by T.
Protein change: p.Ser361=; no amino-acid change (serine 361 retained).
Molecular consequence: synonymous variant.
Genome position (GRCh38, 1-based): chr7:99,394,453, C>T. VCF-style: chr7-99394453-C-T. GRCh37 (hg19) VCF-style: chr7-98992076-C-T.
Identifiers: ClinVar variation 3052791 (VCV003052791.4), dbSNP rs1294234825, ClinGen allele CA456668768.
Genomic context (GRCh38, chr7:99,394,453, plus strand): 5'-GGAGTGGGGTGCCTGCAGGACAGCTGAGAACCAGCCTGTCCGTTCTGCCTCCCTGCAGAG[C>T]TTGGAGTCAGCCTTGAAGGACCTCAAGATCAAATGACCTGTGAGGAATATGTTGCCTTCA-3'
Protein context (NP_005711.1, residues 351-371): DGGMSIWDVK[Ser361=]LESALKDLKI

ClinVar aggregate classification (germline): Likely benign. Review status: criteria provided, single submitter (1 of 4 stars). 2 submissions from 2 submitters: Likely benign (1). 1 of the submissions does not count toward it. Last evaluated 2024-02-29.

Conditions:
ARPC1B-related disorder. Also called: ARPC1B-related condition.

Allele frequency attached by ClinVar (database versions not stated): gnomAD exomes 0.00001.
gnomAD v4.1: 7 of 1,613,872 alleles (0.00043%); highest among the groups gnomAD compares: Non-Finnish European, 0.00059%; no homozygotes.

Submissions (2):

Labcorp Genetics (formerly Invitae), Labcorp
Classification: Likely benign. Last evaluated: 2024-02-29. Review status: criteria provided, single submitter. Criteria: Invitae Variant Classification Sherloc (09022015). Collection method: clinical testing. Allele origin: germline.

PreventionGenetics, part of Exact Sciences
Classification: Likely benign for ARPC1B-related condition. Last evaluated: 2022-06-22. Review status: no assertion criteria provided. Collection method: clinical testing. Allele origin: germline. Not counted in ClinVar's aggregate classification.
Comment: This variant is classified as likely benign based on ACMG/AMP sequence variant interpretation guidelines (Richards et al. 2015 PMID: 25741868, with internal and published modifications).